The following is an entry in ClinVar:

NM_000388.4(CASR):c.1299T>G (p.Asp433Glu)

Gene: CASR (calcium sensing receptor; plus strand). Cytogenetic location: 3q21.1.
Variant type: single nucleotide variant.
Coding change: c.1299T>G on transcript NM_000388.4 (MANE Select); coding-DNA position 1299, T replaced by G.
Protein change: p.Asp433Glu; replaces aspartic acid 433 with glutamic acid.
Molecular consequence: missense variant.
Genome position (GRCh38, 1-based): chr3:122,262,334, T>G. VCF-style: chr3-122262334-T-G. GRCh37 (hg19) VCF-style: chr3-121981181-T-G.
Other names: c.1299T>G, p.Asp433Glu (NM_001178065.2); short protein forms D433E.
Identifiers: ClinVar variation 3759944 (VCV003759944.2).

ClinVar aggregate classification (germline): Uncertain significance (1 of 4 stars; one submission).

Conditions:
Autosomal dominant hypocalcemia 1 (HYPOC1). Also called: HYPOCALCEMIA, FAMILIAL. Identifiers: MedGen C3715128, MONDO:0011013, OMIM 601198.
Familial hypocalciuric hypercalcemia (FHH). Also called: Familial benign hypercalcemia. Identifiers: Orphanet 405, MedGen C1809471, MONDO:0018458.

Submission:

Labcorp Genetics (formerly Invitae), Labcorp
Classification: Uncertain significance for Familial hypocalciuric hypercalcemia; Autosomal dominant hypocalcemia 1. Last evaluated: 2024-12-03. Review status: criteria provided, single submitter. Criteria: Invitae Variant Classification Sherloc (09022015). Collection method: clinical testing. Allele origin: germline.
Comment: This sequence change replaces aspartic acid, which is acidic and polar, with glutamic acid, which is acidic and polar, at codon 433 of the CASR protein (p.Asp433Glu). This variant is not present in population databases (gnomAD no frequency). This variant has not been reported in the literature in individuals affected with CASR-related conditions. An algorithm developed to predict the effect of missense changes on protein structure and function (PolyPhen-2) suggests that this variant is likely to be disruptive. In summary, the available evidence is currently insufficient to determine the role of this variant in disease. Therefore, it has been classified as a Variant of Uncertain Significance.